The following is an entry in ClinVar:

NM_000298.6(PKLR):c.341T>C (p.Ile114Thr)

Gene: PKLR (pyruvate kinase L/R; minus strand). Cytogenetic location: 1q22.
Variant type: single nucleotide variant.
Coding change: c.341T>C on transcript NM_000298.6 (MANE Select); coding-DNA position 341, T replaced by C.
Protein change: p.Ile114Thr; replaces isoleucine 114 with threonine.
Molecular consequence: missense variant.
Genome position (GRCh38, 1-based): chr1:155,295,699, A>G on the plus strand (T>C on the coding strand, the complement: PKLR is on the minus strand). VCF-style: chr1-155295699-A-G. GRCh37 (hg19) VCF-style: chr1-155265490-A-G.
Other names: c.248T>C, p.Ile83Thr (NM_181871.4); short protein forms I114T, I83T.
Identifiers: ClinVar variation 994025 (VCV000994025.13), dbSNP rs779517988, ClinGen allele CA1144378.

ClinVar aggregate classification (germline): Uncertain significance. Review status: criteria provided, multiple submitters, no conflicts (2 of 4 stars). 3 submissions from 3 submitters: Uncertain significance (3). Last evaluated 2024-09-09.

Allele frequency attached by ClinVar (database versions not stated): gnomAD exomes 0.00001 and 0.00002; ExAC 0.00002.

Submissions (3):

Revvity Omics, Revvity
Classification: Uncertain significance. Last evaluated: 2024-09-09. Review status: criteria provided, single submitter. Criteria: ACMG Guidelines, 2015. Collection method: clinical testing. Allele origin: germline.

Labcorp Genetics (formerly Invitae), Labcorp
Classification: Uncertain significance. Last evaluated: 2024-02-01. Review status: criteria provided, single submitter. Criteria: Invitae Variant Classification Sherloc (09022015). Collection method: clinical testing. Allele origin: germline.
Comment: This sequence change replaces isoleucine, which is neutral and non-polar, with threonine, which is neutral and polar, at codon 114 of the PKLR protein (p.Ile114Thr). This variant is present in population databases (rs779517988, gnomAD 0.01%). This missense change has been observed in individual(s) with pyruvate kinase deficiency (PMID: 24481986). ClinVar contains an entry for this variant (Variation ID: 994025). Advanced modeling of protein sequence and biophysical properties (such as structural, functional, and spatial information, amino acid conservation, physicochemical variation, residue mobility, and thermodynamic stability) performed at Invitae indicates that this missense variant is not expected to disrupt PKLR protein function with a negative predictive value of 80%. In summary, the available evidence is currently insufficient to determine the role of this variant in disease. Therefore, it has been classified as a Variant of Uncertain Significance.

ARUP Laboratories, Molecular Genetics and Genomics, ARUP Laboratories
Classification: Uncertain significance. Last evaluated: 2023-05-03. Review status: criteria provided, single submitter. Criteria: ARUP Molecular Germline Variant Investigation Process 2024. Collection method: clinical testing. Allele origin: germline.

Literature cited by the submitters: PubMed 24481986 (cited by Labcorp Genetics (formerly Invitae), Labcorp).